The following is an entry in ClinVar:

NM_001754.5(RUNX1):c.1036dup (p.Arg346fs)

Gene: RUNX1 (RUNX family transcription factor 1; minus strand). Cytogenetic location: 21q22.12.
Variant type: Duplication.
Coding change: c.1036dup on transcript NM_001754.5 (MANE Select); coding-DNA position 1036, one base duplicated (C; older notation c.1036dupC).
Protein change: p.Arg346fs; shifts the reading frame from arginine 346.
Molecular consequence: frameshift variant.
Genome position (GRCh38, 1-based): chr21:34,792,542, G duplicated on the plus strand (C on the coding strand, the reverse complement: RUNX1 is on the minus strand); the first of 5 consecutive G bases (chr21:34,792,542-34,792,546); duplicating any one gives the same sequence. VCF-style (leftmost placement, unchanged base first): chr21-34792541-C-CG. GRCh37 (hg19) VCF-style: chr21-36164838-C-CG.
Other names: NM_001754.5(RUNX1):c.1036dup; p.Arg346fs; c.1036dupC (NM_001754.4); c.955dup, p.Arg319fs (NM_001001890.3); short protein forms R346fs, R319fs.
Identifiers: ClinVar variation 836448 (VCV000836448.13), dbSNP rs1601333612, ClinGen allele CA645614106.
Genomic context (GRCh38, chr21:34,792,541, plus strand): 5'-ATGCCGATGCCCGAGGTGACCGGCGTCGGGGAGTAGGTGAAGGCGCCTGGATAGTGCATG[C>CG]GGGGGTCGGAGATGGAGGGCAGCGCGGGGAACTGGCGCGGGTCGCTGAACGCTGTCAGGT-3'

ClinVar aggregate classification (germline): Likely pathogenic. Review status: reviewed by expert panel (3 of 4 stars). 4 submissions from 4 submitters: Likely pathogenic (1). 3 of the submissions do not count toward it. Last evaluated 2026-10-02.

Conditions:
Inborn genetic diseases. Identifiers: MedGen C0950123, MeSH D030342.
Hereditary thrombocytopenia and hematological cancer predisposition syndrome associated with RUNX1. Also called: PLATELET DISORDER, ASPIRIN-LIKE; RUNX1 Familial Platelet Disorder with Associated Myeloid Malignancies; Familial Platelet Disorder with Propensity to Acute Myelogenous Leukemia; Familial thrombocytopenia with propensity to acute myelogenous leukemia. Identifiers: Orphanet 71290, MedGen C1832388, MeSH C563324, MONDO:0100083, OMIM 601399.
Acute myeloid leukemia (AML). Also called: Acute myeloid leukemia, adult; AML adult; Acute non-lymphocytic leukemia; Acute granulocytic leukemia; Leukemia, acute myeloid, somatic; Leukemia, acute myelogenous, somatic. Identifiers: Orphanet 519, MedGen C0023467, MeSH D015470, MONDO:0018874, OMIM 601626, HP:0004808. Disease mechanism: Constitutively activated FLT3.

Submissions (4):

ClinGen Myeloid Malignancy Variant Curation Expert Panel
Classification: Likely pathogenic for Hereditary thrombocytopenia and hematological cancer predisposition syndrome associated with RUNX1. Last evaluated: 2026-10-02. Review status: reviewed by expert panel. Criteria: ClinGen MyeloMalig ACMG Specifications V3.1. Collection method: curation. Allele origin: germline. Inheritance: Autosomal dominant inheritance.
Comment: NM_001754.5(RUNX1):c.1036dup (p.Arg346ProfsTer?) is a frameshift variant which is not predicted to undergo NMD (PVS1_Strong). This variant is downstream of c.98 (PM5_Supporting) and is completely absent from all population databases with at least 20x coverage for RUNX1 (PM2_Supporting). In summary, this variant meets criteria to be classified as likely pathogenic. ACMG/AMP criteria applied, as specified by the Myeloid Malignancy Variant Curation Expert Panel for RUNX1: PVS1_Strong, PM5_Supporting, PM2_Supporting.

Ambry Genetics
Classification: Likely pathogenic for Inborn genetic diseases. Last evaluated: 2025-08-21. Review status: criteria provided, single submitter. Criteria: Ambry Variant Classification Scheme 2023. Collection method: clinical testing. Allele origin: germline. Not counted in ClinVar's aggregate classification.
Comment: The c.1036dupC variant, located in coding exon 8 of the RUNX1 gene, results from a duplication of C at nucleotide position 1036, causing a translational frameshift with a predicted alternate stop codon (p.R346Pfs*254). This alteration occurs at the 3' terminus of theRUNX1 gene, is not expected to trigger nonsense-mediated mRNAdecay and results in the elongation of the protein by 119 amino acids. This frameshift impacts the last 28% of the native protein. However, frameshifts are typically deleterious in nature and a significant portion of the protein is affected (Ambry internal data). Based on the majority of available evidence to date, this variant is likely to be pathogenic.

Labcorp Genetics (formerly Invitae), Labcorp
Classification: Uncertain significance for Hereditary thrombocytopenia and hematological cancer predisposition syndrome associated with RUNX1. Last evaluated: 2025-07-07. Review status: criteria provided, single submitter. Criteria: Invitae Variant Classification Sherloc (09022015). Collection method: clinical testing. Allele origin: germline. Not counted in ClinVar's aggregate classification.
Comment: This sequence change is expected to alter the c-terminus of the RUNX1 protein (p.Arg346Profs*254). While this is not anticipated to result in nonsense mediated decay, it is expected to disrupt the last 135 amino acid(s) of the RUNX1 protein and extend the protein by 118 additional amino acid residues. This variant is not present in population databases (gnomAD no frequency). This variant has not been reported in the literature in individuals affected with RUNX1-related conditions. ClinVar contains an entry for this variant (Variation ID: 836448). Experimental studies and prediction algorithms are not available or were not evaluated, and the functional significance of this variant is currently unknown. In summary, the available evidence is currently insufficient to determine the role of this variant in disease. Therefore, it has been classified as a Variant of Uncertain Significance.

Sung Lab, Department of Medicine, Roswell Park Comprehensive Cancer Center
Classification: Pathogenic for Acute myeloid leukemia. Last evaluated: 2023-06-08. Review status: no assertion criteria provided. Collection method: clinical testing. Allele origin: somatic. Affected: yes. Not counted in ClinVar's aggregate classification.